The following is an entry in ClinVar:

ClinVar aggregate classification (germline): Likely benign (1 of 4 stars; one submission).

gnomAD v4.1: 253 of 1,609,312 alleles (0.016%); highest among the groups gnomAD compares: South Asian, 0.11%; 1 homozygote.

Submission:

CeGaT Center for Human Genetics Tuebingen
Classification: Likely benign. Last evaluated: 2026-01-01. Review status: criteria provided, single submitter. Criteria: CeGaT Center For Human Genetics Tuebingen Variant Classification Criteria Version 2. Collection method: clinical testing. Allele origin: germline. Affected: yes. Observed: 1 variant allele.
Comment: ADGRL1: BP4, BP7, BS1

NM_014921.5(ADGRL1):c.3882G>A (p.Ala1294=)

Genes: ADGRL1 (adhesion G protein-coupled receptor L1; minus strand), ADGRL1-AS1 (ADGRL1 antisense RNA 1; plus strand). Cytogenetic location: 19p13.12.
Variant type: single nucleotide variant.
Coding change: c.3882G>A on transcript NM_014921.5 (MANE Select); coding-DNA position 3882, G replaced by A.
Protein change: p.Ala1294=; no amino-acid change (alanine 1294 retained).
Molecular consequence: synonymous variant.
Genome position (GRCh38, 1-based): chr19:14,151,401, C>T on the plus strand (G>A on the coding strand, the complement: ADGRL1 is on the minus strand). VCF-style: chr19-14151401-C-T. GRCh37 (hg19) VCF-style: chr19-14262213-C-T.
Other names: c.3897G>A, p.Ala1299= (NM_001008701.3).
Identifiers: ClinVar variation 4821378 (VCV004821378.4).